The following is an entry in ClinVar:

NM_001999.4(FBN2):c.4961G>T (p.Cys1654Phe)

Gene: FBN2 (fibrillin 2; minus strand). Cytogenetic location: 5q23.3.
Variant type: single nucleotide variant.
Coding change: c.4961G>T on transcript NM_001999.4 (MANE Select); coding-DNA position 4961, G replaced by T.
Protein change: p.Cys1654Phe; replaces cysteine 1654 with phenylalanine.
Molecular consequence: missense variant.
Genome position (GRCh38, 1-based): chr5:128,311,413, C>A on the plus strand (G>T on the coding strand, the complement: FBN2 is on the minus strand). VCF-style: chr5-128311413-C-A. GRCh37 (hg19) VCF-style: chr5-127647105-C-A.
Other names: short protein forms C1654F.
Identifiers: ClinVar variation 2431541 (VCV002431541.1), dbSNP rs2479740440, ClinGen allele CA360746266.
Genomic context (GRCh38, chr5:128,311,413, plus strand): 5'-TGGAAGCTCCCAAAAGTGTTGATGCAGTTTCCACCCTGGCAGAGACCTGGTAACTCCTGG[C>A]ATTCGTCAATGTCTACAAAAAGGGAGACAGTGCACTTAAAACAAACACCTTCACTAAGGA-3'
Protein context (NP_001990.2, residues 1644-1664): ITIILEDIDE[Cys1654Phe]QELPGLCQGG

ClinVar aggregate classification (germline): Uncertain significance (1 of 4 stars; one submission).

Conditions:
Congenital contractural arachnodactyly (CCA). Also called: BEALS SYNDROME; Arthrogryposis, distal, type 9; Beals-Hecht syndrome. Identifiers: Orphanet 115, MedGen C0220668, MONDO:0007363, OMIM 121050.

Submission:

Laboratorio de Genetica e Diagnostico Molecular, Hospital Israelita Albert Einstein
Classification: Uncertain significance for Congenital contractural arachnodactyly. Last evaluated: 2023-01-30. Review status: criteria provided, single submitter. Criteria: ACMG Guidelines, 2015. Collection method: clinical testing. Allele origin: germline. Affected: yes. Observed: 1 variant allele.
Comment: ACMG classification criteria: PM2 moderated, PM3 supporting, PP3 supporting